The following is an entry in ClinVar:

ClinVar aggregate classification (germline): Uncertain significance. Review status: criteria provided, single submitter (1 of 4 stars). 2 submissions from 2 submitters: Uncertain significance (1). 1 of the submissions does not count toward it. Last evaluated 2024-12-14.

Conditions:
Fanconi anemia (FA). Also called: Fanconi's anemia. Identifiers: Orphanet 84, MedGen C0015625, MeSH D005199, MONDO:0019391.
Inborn genetic diseases. Identifiers: MedGen C0950123, MeSH D030342.

gnomAD v4.1: 1 of 1,614,248 alleles (0.000062%); highest among the groups gnomAD compares: Non-Finnish European, 0.000085%; no homozygotes.

Submissions (2):

Ambry Genetics
Classification: Uncertain significance for Inborn genetic diseases. Last evaluated: 2024-12-14. Review status: criteria provided, single submitter. Criteria: Ambry Variant Classification Scheme 2023. Collection method: clinical testing. Allele origin: germline.
Comment: The p.A1419P variant (also known as c.4255G>C), located in coding exon 42 of the FANCA gene, results from a G to C substitution at nucleotide position 4255. The alanine at codon 1419 is replaced by proline, an amino acid with highly similar properties. This amino acid position is conserved. In addition, this alteration is predicted to be tolerated by in silico analysis. Based on the available evidence, the clinical significance of this variant remains unclear.

Natera, Inc.
Classification: Uncertain significance for Fanconi anemia. Last evaluated: 2025-03-03. Review status: no assertion criteria provided. Collection method: clinical testing. Allele origin: germline. Not counted in ClinVar's aggregate classification.

NM_000135.4(FANCA):c.4255G>C (p.Ala1419Pro)

Genes: FANCA (FA complementation group A; minus strand), ZNF276 (zinc finger protein 276; plus strand). Cytogenetic location: 16q24.3.
Variant type: single nucleotide variant.
Coding change: c.4255G>C on transcript NM_000135.4 (MANE Select); coding-DNA position 4255, G replaced by C.
Protein change: p.Ala1419Pro; replaces alanine 1419 with proline.
Molecular consequence: missense variant. On other transcripts: 3 prime UTR variant (2), non-coding transcript variant (4).
Genome position (GRCh38, 1-based): chr16:89,738,887, C>G on the plus strand (G>C on the coding strand, the complement: FANCA is on the minus strand). VCF-style: chr16-89738887-C-G. GRCh37 (hg19) VCF-style: chr16-89805295-C-G.
Other names: c.4259G>C, p.Gly1420Ala (NM_001286167.3); c.*641C>G (NM_001113525.2, NM_152287.4); c.4255G>C (NM_000135.3); short protein forms A1419P, G1420A.
Identifiers: ClinVar variation 3848019 (VCV003848019.2).